The following is an entry in ClinVar:

NM_000070.3(CAPN3):c.1486G>A (p.Gly496Arg)

Gene: CAPN3 (calpain 3; plus strand). Cytogenetic location: 15q15.1.
Variant type: single nucleotide variant.
Coding change: c.1486G>A on transcript NM_000070.3 (MANE Select); coding-DNA position 1486, G replaced by A.
Protein change: p.Gly496Arg; replaces glycine 496 with arginine.
Molecular consequence: missense variant.
Genome position (GRCh38, 1-based): chr15:42,401,772, G>A. VCF-style: chr15-42401772-G-A. GRCh37 (hg19) VCF-style: chr15-42693970-G-A.
Other names: c.1486G>A, p.Gly496Arg (NM_024344.2); c.1342G>A, p.Gly448Arg (NM_173087.2); short protein forms G448R, G496R.
Identifiers: ClinVar variation 1198079 (VCV001198079.10), dbSNP rs761637940, ClinGen allele CA7511368.

ClinVar aggregate classification (germline): Conflicting classifications of pathogenicity. Review status: criteria provided, conflicting classifications (1 of 4 stars). 4 submissions from 4 submitters: Pathogenic (3); Uncertain significance (1). Last evaluated 2025-01-13.

Conditions:
Autosomal recessive limb-girdle muscular dystrophy type 2A (LGMDR1). Also called: LEYDEN-MOEBIUS MUSCULAR DYSTROPHY; MUSCULAR DYSTROPHY, PELVOFEMORAL; Limb-girdle muscular dystrophy, type 2A; Calpainopathy; Muscular dystrophy, limb-girdle, type 2A, Amish. Identifiers: Orphanet 267, MedGen C1869123, MONDO:0009675, OMIM 253600. Disease mechanism: loss of function.
Muscular dystrophy, limb-girdle, autosomal dominant 4. Also called: MUSCULAR DYSTROPHY, LIMB-GIRDLE, TYPE 1I; Calpain-3-related limb-girdle muscular dystrophy D4. Identifiers: Orphanet 565909, MedGen C4748295, MONDO:0029133, OMIM 618129.

Allele frequency attached by ClinVar (database versions not stated): gnomAD exomes below 0.00001; TOPMed below 0.00001; ExAC 0.00001.
gnomAD v4.1: 2 of 1,614,070 alleles (0.00012%); highest among the groups gnomAD compares: Non-Finnish European, 0.000085%; no homozygotes.

Submissions (4):

Women's Health and Genetics/Laboratory Corporation of America, LabCorp
Classification: Pathogenic for Autosomal recessive limb-girdle muscular dystrophy type 2A. Last evaluated: 2025-01-13. Review status: criteria provided, single submitter. Criteria: LabCorp Variant Classification Summary - May 2015. Collection method: clinical testing. Allele origin: germline.
Comment: Variant summary: CAPN3 c.1486G>A (p.Gly496Arg) results in a non-conservative amino acid change located in the Calpain_III domain (IPR033883) of the encoded protein sequence. Five of five in-silico tools predict a damaging effect of the variant on protein function. The variant allele was found at a frequency of 4e-06 in 250898 control chromosomes. c.1486G>A has been reported in the literature in multiple compound heterozygous individuals affected with Autosomal recessive limb-girdle muscular dystrophy type 2A (e.g. Richard_1997, dePaula_2002, Fanin_2007, Fanin_2009). These data indicate that the variant is very likely to be associated with disease. The following publications have been ascertained in the context of this evaluation (PMID: 18854869, 17526799, 9150160, 12461690). ClinVar contains an entry for this variant (Variation ID: 1198079). Based on the evidence outlined above, the variant was classified as pathogenic.

Baylor Genetics
Classification: Pathogenic for Muscular dystrophy, limb-girdle, autosomal dominant 4. Last evaluated: 2023-10-04. Review status: criteria provided, single submitter. Criteria: ACMG Guidelines, 2015. Collection method: clinical testing. Allele origin: unknown.

Labcorp Genetics (formerly Invitae), Labcorp
Classification: Pathogenic for Autosomal recessive limb-girdle muscular dystrophy type 2A. Last evaluated: 2022-03-23. Review status: criteria provided, single submitter. Criteria: Invitae Variant Classification Sherloc (09022015). Collection method: clinical testing. Allele origin: germline.
Comment: This sequence change replaces glycine, which is neutral and non-polar, with arginine, which is basic and polar, at codon 496 of the CAPN3 protein (p.Gly496Arg). For these reasons, this variant has been classified as Pathogenic. Experimental studies have shown that this missense change affects CAPN3 function (PMID: 19226146). Advanced modeling of protein sequence and biophysical properties (such as structural, functional, and spatial information, amino acid conservation, physicochemical variation, residue mobility, and thermodynamic stability) performed at Invitae indicates that this missense variant is expected to disrupt CAPN3 protein function. ClinVar contains an entry for this variant (Variation ID: 1198079). This missense change has been observed in individuals with autosomal recessive limb-girdle muscular dystrophy type 2A (PMID: 9150160, 12461690). It has also been observed to segregate with disease in related individuals. This variant is present in population databases (rs761637940, gnomAD 0.0009%).

GeneDx
Classification: Uncertain significance. Last evaluated: 2019-07-19. Review status: criteria provided, single submitter. Criteria: GeneDx Variant Classification Process June 2021. Collection method: clinical testing. Allele origin: germline. Affected: yes.
Comment: Not observed at a significant frequency in large population cohorts (Lek et al., 2016); In silico analysis, which includes protein predictors and evolutionary conservation, supports a deleterious effect; Protein expression studies have show that G496R is associated with normal protein expression (Talim et al., 2001; Fanin et al., 2009); Previously reported in association with LGMD2A and partial calpain deficiency (Richard et al., 1997; de Paula et al., 2002; Talim et al., 2001); A study that used structural modeling reported that G496 is important to the flexibility of the loop of domain III (Granham et al., 2009; This variant is associated with the following publications: (PMID: 16884488, 25900067, 15221789, 14578192, 17236769, 10330340, 18854869, 26363099, 11245732, 17526799, 12461690, 9150160, 19226146)

Literature cited by the submitters: PubMed 18854869 (cited by Women's Health and Genetics/Laboratory Corporation of America, LabCorp); PubMed 9150160 (cited by Women's Health and Genetics/Laboratory Corporation of America, LabCorp and Labcorp Genetics (formerly Invitae), Labcorp); PubMed 12461690 (cited by Women's Health and Genetics/Laboratory Corporation of America, LabCorp and Labcorp Genetics (formerly Invitae), Labcorp); PubMed 17526799 (cited by Women's Health and Genetics/Laboratory Corporation of America, LabCorp); PubMed 19226146 (cited by Labcorp Genetics (formerly Invitae), Labcorp).